The following is an entry in ClinVar:

ClinVar aggregate classification (germline): Uncertain significance. Review status: criteria provided, multiple submitters, no conflicts (2 of 4 stars). 3 submissions from 3 submitters: Uncertain significance (3). Last evaluated 2025-01-09.

Conditions:
Inborn genetic diseases. Identifiers: MedGen C0950123, MeSH D030342.
Developmental and epileptic encephalopathy, 11 (DEE11). Also called: Early infantile epileptic encephalopathy 11. Identifiers: Orphanet 1934, MedGen C3150987, MONDO:0013388, OMIM 613721.

Allele frequency attached by ClinVar (database versions not stated): gnomAD 0.00001; ExAC 0.00002; gnomAD exomes 0.00002; 1000 Genomes Project 30x 0.00016; 1000 Genomes Project 0.00020.

Submissions (3):

Ambry Genetics
Classification: Uncertain significance for Inborn genetic diseases. Last evaluated: 2025-01-09. Review status: criteria provided, single submitter. Criteria: Ambry Variant Classification Scheme 2023. Collection method: clinical testing. Allele origin: germline.

GeneDx
Classification: Uncertain significance. Last evaluated: 2019-08-09. Review status: criteria provided, single submitter. Criteria: GeneDx Variant Classification Process June 2021. Collection method: clinical testing. Allele origin: germline. Affected: yes.
Comment: Not observed at a significant frequency in large population cohorts (Lek et al., 2016); In silico analysis, which includes protein predictors and evolutionary conservation, supports a deleterious effect; The majority of missense variants in this gene are considered pathogenic (Stenson et al., 2014); This substitution is predicted to be within the extracellular loop between the S1 and S2 transmembrane segments of the first homologous domain; Has not been previously published as pathogenic or benign to our knowledge

Institute of Human Genetics, University of Leipzig Medical Center
Classification: Uncertain significance for Developmental and epileptic encephalopathy, 11. Last evaluated: 2019-01-01. Review status: criteria provided, single submitter. Criteria: ACMG Guidelines, 2015. Collection method: clinical testing. Allele origin: unknown. Affected: yes.

NM_001040142.2(SCN2A):c.451C>T (p.Pro151Ser)

Gene: SCN2A (sodium voltage-gated channel alpha subunit 2; plus strand). Cytogenetic location: 2q24.3.
Variant type: single nucleotide variant.
Coding change: c.451C>T on transcript NM_001040142.2 (MANE Select); coding-DNA position 451, C replaced by T.
Protein change: p.Pro151Ser; replaces proline 151 with serine.
Molecular consequence: missense variant.
Genome position (GRCh38, 1-based): chr2:165,307,912, C>T. VCF-style: chr2-165307912-C-T. GRCh37 (hg19) VCF-style: chr2-166164422-C-T.
Other names: c.451C>T, p.Pro151Ser (NM_001040143.2, NM_001371246.1, NM_001371247.1 and 1 more transcripts); short protein forms P151S.
Identifiers: ClinVar variation 982644 (VCV000982644.4), dbSNP rs200109956, ClinGen allele CA1939611.